The following is an entry in ClinVar:

NM_000428.3(LTBP2):c.22C>G (p.Arg8Gly)

Gene: LTBP2 (latent transforming growth factor beta binding protein 2; minus strand). Cytogenetic location: 14q24.3.
Variant type: single nucleotide variant.
Coding change: c.22C>G on transcript NM_000428.3 (MANE Select); coding-DNA position 22, C replaced by G.
Protein change: p.Arg8Gly; replaces arginine 8 with glycine.
Molecular consequence: missense variant.
Genome position (GRCh38, 1-based): chr14:74,611,923, G>C on the plus strand (C>G on the coding strand, the complement: LTBP2 is on the minus strand). VCF-style: chr14-74611923-G-C. GRCh37 (hg19) VCF-style: chr14-75078626-G-C.
Other names: short protein forms R8G.
Identifiers: ClinVar variation 1506529 (VCV001506529.4), dbSNP rs1183802428, ClinGen allele CA390389058.
Genomic context (GRCh38, chr14:74,611,923, plus strand): 5'-GAGCCAGGGTGAGCGGCAGGAAGCCTCTCCAGGGGTTCCGCAGGGCGCGCCCCGGGCTGC[G>C]GGCTTTGGTCCGCGGCCTCATGGCGCGGGGCGGCTGGAGAGTGGTGCGCGCGGGCACCGC-3'
Protein context (NP_000419.1, residues 1-18): MRPRTKA[Arg8Gly]SPGRALRNPW

ClinVar aggregate classification (germline): Uncertain significance. Review status: criteria provided, multiple submitters, no conflicts (2 of 4 stars). 2 submissions from 2 submitters: Uncertain significance (2). Last evaluated 2021-11-05.

Allele frequency attached by ClinVar (database versions not stated): gnomAD exomes below 0.00001 and 0.00001; TOPMed below 0.00001.
gnomAD v4.1: 3 of 1,589,754 alleles (0.00019%); highest among the groups gnomAD compares: Non-Finnish European, 0.00026%; no homozygotes.

Submissions (2):

Labcorp Genetics (formerly Invitae), Labcorp
Classification: Uncertain significance. Last evaluated: 2021-11-05. Review status: criteria provided, single submitter. Criteria: Invitae Variant Classification Sherloc (09022015). Collection method: clinical testing. Allele origin: germline.
Comment: This sequence change replaces arginine, which is basic and polar, with glycine, which is neutral and non-polar, at codon 8 of the LTBP2 protein (p.Arg8Gly). This variant is present in population databases (no rsID available, gnomAD no frequency). This variant has not been reported in the literature in individuals affected with LTBP2-related conditions. Algorithms developed to predict the effect of missense changes on protein structure and function are either unavailable or do not agree on the potential impact of this missense change (SIFT: "Deleterious"; PolyPhen-2: "Benign"; Align-GVGD: "Class C65"). In summary, the available evidence is currently insufficient to determine the role of this variant in disease. Therefore, it has been classified as a Variant of Uncertain Significance.

Breakthrough Genomics
Classification: Uncertain significance. Review status: criteria provided, single submitter. Criteria: ACMG Guidelines, 2015. Collection method: not provided. Allele origin: germline. Inheritance: Autosomal recessive inheritance. Affected: yes.